The following is an entry in ClinVar:

ClinVar aggregate classification (germline): Uncertain significance (1 of 4 stars; one submission).

Conditions:
Spastic paraplegia. Identifiers: MedGen C0037772, HP:0001258.

Allele frequency attached by ClinVar (database versions not stated): gnomAD exomes below 0.00001.
gnomAD v4.1: 1 of 1,613,676 alleles (0.000062%); highest among the groups gnomAD compares: Non-Finnish European, 0.000085%; no homozygotes.

Submission:

Labcorp Genetics (formerly Invitae), Labcorp
Classification: Uncertain significance for Spastic paraplegia. Last evaluated: 2023-10-13. Review status: criteria provided, single submitter. Criteria: Invitae Variant Classification Sherloc (09022015). Collection method: clinical testing. Allele origin: germline.
Comment: This sequence change replaces proline, which is neutral and non-polar, with serine, which is neutral and polar, at codon 3743 of the SACS protein (p.Pro3743Ser). This variant is present in population databases (no rsID available, gnomAD 0.006%). This variant has not been reported in the literature in individuals affected with SACS-related conditions. ClinVar contains an entry for this variant (Variation ID: 2093920). Advanced modeling of protein sequence and biophysical properties (such as structural, functional, and spatial information, amino acid conservation, physicochemical variation, residue mobility, and thermodynamic stability) has been performed at Invitae for this missense variant, however the output from this modeling did not meet the statistical confidence thresholds required to predict the impact of this variant on SACS protein function. In summary, the available evidence is currently insufficient to determine the role of this variant in disease. Therefore, it has been classified as a Variant of Uncertain Significance.

NM_014363.6(SACS):c.11227C>T (p.Pro3743Ser)

Gene: SACS (sacsin molecular chaperone; minus strand). Cytogenetic location: 13q12.12.
Variant type: single nucleotide variant.
Coding change: c.11227C>T on transcript NM_014363.6 (MANE Select); coding-DNA position 11227, C replaced by T.
Protein change: p.Pro3743Ser; replaces proline 3743 with serine.
Molecular consequence: missense variant.
Genome position (GRCh38, 1-based): chr13:23,332,649, G>A on the plus strand (C>T on the coding strand, the complement: SACS is on the minus strand). VCF-style: chr13-23332649-G-A. GRCh37 (hg19) VCF-style: chr13-23906788-G-A.
Other names: c.10786C>T, p.Pro3596Ser (NM_001278055.2); short protein forms P3596S, P3743S.
Identifiers: ClinVar variation 2093920 (VCV002093920.4), dbSNP rs1258960372, ClinGen allele CA387510454.